The following is an entry in ClinVar:

NM_017917.4(PPP2R3C):c.1174-10dup

Genes: PPP2R3C (protein phosphatase 2 regulatory subunit B''gamma; minus strand), LOC101927178 (uncharacterized LOC101927178; plus strand). Cytogenetic location: 14q13.2.
Variant type: Duplication.
Coding change: c.1174-10dup on transcript NM_017917.4 (MANE Select); 10 bases into the intron before coding-DNA position 1174, one base duplicated (T; older notation c.1174-10dupT).
Molecular consequence: intron variant.
Genome position (GRCh38, 1-based): chr14:35,085,788, A duplicated on the plus strand (T on the coding strand, the reverse complement: PPP2R3C is on the minus strand); the first of 9 consecutive A bases (chr14:35,085,788-35,085,796); duplicating any one gives the same sequence. VCF-style (leftmost placement, unchanged base first): chr14-35085787-G-GA. GRCh37 (hg19) VCF-style: chr14-35554993-G-GA.
Other names: c.844-10dup (NM_001305156.2, NM_001305155.2).
Identifiers: ClinVar variation 3039479 (VCV003039479.2), dbSNP rs201794373, ClinGen allele CA7154213.

ClinVar aggregate classification (germline): Benign (0 of 4 stars; one submission).

Conditions:
PPP2R3C-related disorder. Also called: PPP2R3C-related condition.

Submission:

PreventionGenetics, part of Exact Sciences
Classification: Benign for PPP2R3C-related condition. Last evaluated: 2019-11-25. Review status: no assertion criteria provided. Collection method: clinical testing. Allele origin: germline.
Comment: This variant is classified as benign based on ACMG/AMP sequence variant interpretation guidelines (Richards et al. 2015 PMID: 25741868, with internal and published modifications).